The following is an entry in ClinVar:

ClinVar aggregate classification (germline): Pathogenic (1 of 4 stars; one submission).

Submission:

Labcorp Genetics (formerly Invitae), Labcorp
Classification: Pathogenic. Last evaluated: 2020-09-17. Review status: criteria provided, single submitter. Criteria: Invitae Variant Classification Sherloc (09022015). Collection method: clinical testing. Allele origin: germline.
Comment: This variant is not present in population databases (ExAC no frequency). This sequence change creates a premature translational stop signal (p.Cys1032*) in the USH2A gene. It is expected to result in an absent or disrupted protein product. For these reasons, this variant has been classified as Pathogenic. Loss-of-function variants in USH2A are known to be pathogenic (PMID: 10729113, 10909849, 20507924, 25649381). This variant has not been reported in the literature in individuals with USH2A-related conditions.

Literature cited by the submitters: PubMed 10729113; PubMed 10909849; PubMed 20507924; PubMed 25649381.

NM_206933.4(USH2A):c.3096T>A (p.Cys1032Ter)

Genes: USH2A (usherin; minus strand), USH2A-AS1 (USH2A antisense RNA 1; plus strand). Cytogenetic location: 1q41.
Variant type: single nucleotide variant.
Coding change: c.3096T>A on transcript NM_206933.4 (MANE Select); coding-DNA position 3096, T replaced by A.
Protein change: p.Cys1032Ter; replaces cysteine 1032 with a stop codon.
Molecular consequence: nonsense.
Genome position (GRCh38, 1-based): chr1:216,217,448, A>T on the plus strand (T>A on the coding strand, the complement: USH2A is on the minus strand). VCF-style: chr1-216217448-A-T. GRCh37 (hg19) VCF-style: chr1-216390790-A-T.
Other names: c.3096T>A, p.Cys1032Ter (NM_007123.6); short protein forms C1032*.
Identifiers: ClinVar variation 1073412 (VCV001073412.7), dbSNP rs2102496332, ClinGen allele CA344862802.
Genomic context (GRCh38, chr1:216,217,448, plus strand): 5'-TTTGCTGCAACCCAATAGATTGTTGACATCCAAGTGGCTTGCACTGGGAACACAAGCATC[A>T]CACTTTGAGCCAGTGACAAATTGTTTACAGAAACACTGGCCTGTGACCAAGTGACAGGTT-3'